The following is an entry in ClinVar:

NM_021020.5(LZTS1):c.1267C>T (p.Arg423Trp)

Gene: LZTS1 (leucine zipper tumor suppressor 1; minus strand). Cytogenetic location: 8p21.3.
Variant type: single nucleotide variant.
Coding change: c.1267C>T on transcript NM_021020.5 (MANE Select); coding-DNA position 1267, C replaced by T.
Protein change: p.Arg423Trp; replaces arginine 423 with tryptophan.
Molecular consequence: missense variant.
Genome position (GRCh38, 1-based): chr8:20,250,246, G>A on the plus strand (C>T on the coding strand, the complement: LZTS1 is on the minus strand). VCF-style: chr8-20250246-G-A. GRCh37 (hg19) VCF-style: chr8-20107757-G-A.
Other names: c.1267C>T, p.Arg423Trp (NM_001362884.2); short protein forms R423W.
Identifiers: ClinVar variation 1448776 (VCV001448776.6), dbSNP rs763490121, ClinGen allele CA4657315.

ClinVar aggregate classification (germline): Uncertain significance (1 of 4 stars; one submission).

Allele frequency attached by ClinVar (database versions not stated): TOPMed below 0.00001; ExAC 0.00001; gnomAD 0.00001; gnomAD exomes 0.00002 and 0.00003.
gnomAD v4.1: 46 of 1,613,496 alleles (0.0029%); highest among the groups gnomAD compares: Non-Finnish European, 0.0034%; no homozygotes.

Submission:

Labcorp Genetics (formerly Invitae), Labcorp
Classification: Uncertain significance. Last evaluated: 2025-08-06. Review status: criteria provided, single submitter. Criteria: Invitae Variant Classification Sherloc (09022015). Collection method: clinical testing. Allele origin: germline.
Comment: This sequence change replaces arginine, which is basic and polar, with tryptophan, which is neutral and slightly polar, at codon 423 of the LZTS1 protein (p.Arg423Trp). This variant is present in population databases (rs763490121, gnomAD 0.004%). This variant has not been reported in the literature in individuals affected with LZTS1-related conditions. ClinVar contains an entry for this variant (Variation ID: 1448776). Invitae Evidence Modeling of protein sequence and biophysical properties (such as structural, functional, and spatial information, amino acid conservation, physicochemical variation, residue mobility, and thermodynamic stability) indicates that this missense variant is expected to disrupt LZTS1 protein function with a positive predictive value of 80%. In summary, the available evidence is currently insufficient to determine the role of this variant in disease. Therefore, it has been classified as a Variant of Uncertain Significance.